The following is an entry in ClinVar:

NM_012295.4(CABIN1):c.4947G>A (p.Ala1649=)

Gene: CABIN1 (calcineurin binding protein 1; plus strand). Cytogenetic location: 22q11.23.
Variant type: single nucleotide variant.
Coding change: c.4947G>A on transcript NM_012295.4 (MANE Select); coding-DNA position 4947, G replaced by A.
Protein change: p.Ala1649=; no amino-acid change (alanine 1649 retained).
Molecular consequence: synonymous variant.
Genome position (GRCh38, 1-based): chr22:24,165,566, G>A. VCF-style: chr22-24165566-G-A. GRCh37 (hg19) VCF-style: chr22-24561534-G-A.
Other names: c.4947G>A, p.Ala1649= (NM_001199281.1); c.4797G>A, p.Ala1599= (NM_001201429.2).
Identifiers: ClinVar variation 715922 (VCV000715922.29), dbSNP rs148220023, ClinGen allele CA10149622.

ClinVar aggregate classification (germline): Benign/Likely benign. Review status: criteria provided, multiple submitters, no conflicts (2 of 4 stars). 4 submissions from 4 submitters: Benign (2); Likely benign (1). 1 of the submissions does not count toward it. Last evaluated 2022-08-01.

Conditions:
CABIN1-related disorder. Also called: CABIN1-related condition.

Allele frequency attached by ClinVar (database versions not stated): 1000 Genomes Project 0.00120; 1000 Genomes Project 30x 0.00125; TOPMed 0.00180; gnomAD 0.00198 and 0.00200; ESP Exome Variant Server 0.00285.
gnomAD v4.1: 3,834 of 1,613,186 alleles (0.24%); highest among the groups gnomAD compares: Middle Eastern, 0.36%; 13 homozygotes.

Submissions (4):

CeGaT Center for Human Genetics Tuebingen
Classification: Likely benign. Last evaluated: 2022-08-01. Review status: criteria provided, single submitter. Criteria: CeGaT Center For Human Genetics Tuebingen Variant Classification Criteria Version 2. Collection method: clinical testing. Allele origin: germline. Affected: yes. Observed: 1 variant allele.
Comment: CABIN1: BP4, BP7

Labcorp Genetics (formerly Invitae), Labcorp
Classification: Benign. Last evaluated: 2018-03-28. Review status: criteria provided, single submitter. Criteria: Invitae Variant Classification Sherloc (09022015). Collection method: clinical testing. Allele origin: germline.

Breakthrough Genomics
Classification: Benign. Review status: criteria provided, single submitter. Criteria: ACMG Guidelines, 2015. Collection method: not provided. Allele origin: germline. Inheritance: Unknown mechanism. Affected: yes.

PreventionGenetics, part of Exact Sciences
Classification: Likely benign for CABIN1-related condition. Last evaluated: 2019-07-01. Review status: no assertion criteria provided. Collection method: clinical testing. Allele origin: germline. Not counted in ClinVar's aggregate classification.
Comment: This variant is classified as likely benign based on ACMG/AMP sequence variant interpretation guidelines (Richards et al. 2015 PMID: 25741868, with internal and published modifications).